The following is an entry in ClinVar:

NM_004371.4(COPA):c.3147+4G>A

Gene: COPA (coat protein complex I subunit alpha; minus strand). Cytogenetic location: 1q23.2.
Variant type: single nucleotide variant.
Coding change: c.3147+4G>A on transcript NM_004371.4 (MANE Select); 4 bases into the intron after coding-DNA position 3147, G replaced by A.
Molecular consequence: intron variant.
Genome position (GRCh38, 1-based): chr1:160,292,008, C>T on the plus strand (G>A on the coding strand, the complement: COPA is on the minus strand). VCF-style: chr1-160292008-C-T. GRCh37 (hg19) VCF-style: chr1-160261798-C-T.
Other names: c.3147+4G>A (LRG_1336t1); c.3174+4G>A (NM_001098398.2).
Identifiers: ClinVar variation 661387 (VCV000661387.8), dbSNP rs1571147652, ClinGen allele CA915941490.

ClinVar aggregate classification (germline): Uncertain significance (1 of 4 stars; one submission).

Conditions:
Autoimmune interstitial lung disease-arthritis syndrome. Also called: Autoinflammation and autoimmunity, systemic, with immune dysregulation. Identifiers: Orphanet 444092, MedGen C5975714, MONDO:0014629.

Submission:

Labcorp Genetics (formerly Invitae), Labcorp
Classification: Uncertain significance for Autoimmune interstitial lung disease-arthritis syndrome. Last evaluated: 2022-02-24. Review status: criteria provided, single submitter. Criteria: Invitae Variant Classification Sherloc (09022015). Collection method: clinical testing. Allele origin: germline.
Comment: In summary, the available evidence is currently insufficient to determine the role of this variant in disease. Therefore, it has been classified as a Variant of Uncertain Significance. Variants that disrupt the consensus splice site are a relatively common cause of aberrant splicing (PMID: 17576681, 9536098). Algorithms developed to predict the effect of sequence changes on RNA splicing suggest that this variant is not likely to affect RNA splicing. ClinVar contains an entry for this variant (Variation ID: 661387). This variant has not been reported in the literature in individuals affected with COPA-related conditions. This variant is not present in population databases (gnomAD no frequency). This sequence change falls in intron 29 of the COPA gene. It does not directly change the encoded amino acid sequence of the COPA protein. It affects a nucleotide within the consensus splice site.

Literature cited by the submitters: PubMed 17576681; PubMed 9536098.